The following is an entry in ClinVar:

NM_000388.4(CASR):c.1942C>T (p.Arg648Ter)

Gene: CASR (calcium sensing receptor; plus strand). Cytogenetic location: 3q21.1.
Variant type: single nucleotide variant.
Coding change: c.1942C>T on transcript NM_000388.4 (MANE Select); coding-DNA position 1942, C replaced by T.
Protein change: p.Arg648Ter; replaces arginine 648 with a stop codon.
Molecular consequence: nonsense.
Genome position (GRCh38, 1-based): chr3:122,283,896, C>T. VCF-style: chr3-122283896-C-T. GRCh37 (hg19) VCF-style: chr3-122002743-C-T.
Other names: c.1972C>T, p.Arg658Ter (NM_001178065.2); short protein forms R648*, R658*.
Identifiers: ClinVar variation 8341 (VCV000008341.14), dbSNP rs104893705, ClinGen allele CA119517.

ClinVar aggregate classification (germline): Pathogenic. Review status: criteria provided, multiple submitters, no conflicts (2 of 4 stars). 8 submissions from 7 submitters: Pathogenic (5). 3 of the submissions do not count toward it. Last evaluated 2026-07-31.

Conditions:
CASR-related disorder. Also called: CASR-related condition.
Familial hypocalciuric hypercalcemia (FHH). Also called: Familial benign hypercalcemia. Identifiers: Orphanet 405, MedGen C1809471, MONDO:0018458.
Autosomal dominant hypocalcemia 1 (HYPOC1). Also called: HYPOCALCEMIA, FAMILIAL. Identifiers: MedGen C3715128, MONDO:0011013, OMIM 601198.
Nephrolithiasis/nephrocalcinosis. Identifiers: MedGen CN580796.
Familial hypocalciuric hypercalcemia 1. Also called: Hypercalcemia, familial benign type 1. Identifiers: Orphanet 405, Orphanet 93372, MedGen C0342637, MONDO:0007791, OMIM 145980.
Neonatal severe primary hyperparathyroidism. Identifiers: Orphanet 417, MedGen C1832615, MONDO:0009397, OMIM 239200.

Submissions (8):

Ambry Genetics
Classification: Pathogenic for Nephrolithiasis/nephrocalcinosis. Last evaluated: 2026-07-31. Review status: criteria provided, single submitter. Criteria: Ambry Variant Classification Scheme 2023. Collection method: clinical testing. Allele origin: germline.
Comment: The c.1942C>T (p.R648*) alteration, located in exon 7 (coding exon 6) of the CASR gene, consists of a C to T substitution at nucleotide position 1942. This changes the amino acid from an arginine (R) to a stop codon at amino acid position 648. This variant is not expected to trigger nonsense-mediated mRNA decay and impacts the last 40% of the protein. Premature stop codons are typically deleterious in nature and a significant portion of the protein is affected (Ambry internal data). for autosomal dominant CASR-related hypocalciuric hypercalcemia and autosomal recessive neonatal hyperparathyroidism; however, it is unlikely to be causative of autosomal dominant CASR-related hypocalcemia. The Genome Aggregation Database (gnomAD) data for this variant is unreliable due to technical and/or biological issues; therefore, population frequency estimates were not considered. This variant was identified as heterozygous in one or more individuals with features consistent with CASR-related hypocalciuric hypercalcemia (Jap, 2001; Yamauchi, 2002; Hureaux, 2019; Garc&iacute;a-Casta&ntilde;o, 2024; Ambry internal data) and segregated with disease in at least one family (Yamauchi, 2002). This variant has also been identified in the homozygous state and/or in conjunction with other CASR variant(s) in individual(s) with features consistent with neonatal hyperparathyroidism; in at least one instance, the variants were identified in trans (Ward, 2004). Based on the available evidence, this alteration is classified as pathogenic.

3billion
Classification: Pathogenic for Familial hypocalciuric hypercalcemia 1. Last evaluated: 2024-11-20. Review status: criteria provided, single submitter. Criteria: ACMG Guidelines, 2015. Collection method: clinical testing. Allele origin: germline. Affected: yes.
Comment: The variant is not observed in the gnomAD v4.1.0 dataset. Predicted Consequence/Location: Stop-gained (nonsense): predicted to result in a loss or disruption of normal protein function through protein truncation. The predicted truncated protein may be shortened by more than 10%. Functional studies provide moderate evidence of the variant having a damaging effect on the gene or gene product (PMID: 23966241). The variant has been observed in at least two similarly affected unrelated individuals (PMID: 11231970, 12469911, 32347971). The variant has been reported at least twice as pathogenic without evidence for the classification (ClinVar ID: VCV000008341 /PMID: 11231970). Therefore, this variant is classified as Pathogenic according to the recommendation of ACMG/AMP guideline.

Labcorp Genetics (formerly Invitae), Labcorp
Classification: Pathogenic for Familial hypocalciuric hypercalcemia; Autosomal dominant hypocalcemia 1. Last evaluated: 2024-06-04. Review status: criteria provided, single submitter. Criteria: Invitae Variant Classification Sherloc (09022015). Collection method: clinical testing. Allele origin: germline.
Comment: This sequence change creates a premature translational stop signal (p.Arg648*) in the CASR gene. While this is not anticipated to result in nonsense mediated decay, it is expected to disrupt the last 431 amino acid(s) of the CASR protein. This variant is not present in population databases (gnomAD no frequency). This premature translational stop signal has been observed in individual(s) with familial hypocalciuric hypercalcemia (PMID: 11231970, 12469911, 31672324, 32347971). ClinVar contains an entry for this variant (Variation ID: 8341). Algorithms developed to predict the effect of variants on gene product structure and function are not available or were not evaluated for this variant. Experimental studies have shown that this premature translational stop signal affects CASR function (PMID: 23966241). This variant disrupts a region of the CASR protein in which other variant(s) (p.Trp718*) have been determined to be pathogenic (PMID: 9395465, 18796518). This suggests that this is a clinically significant region of the protein, and that variants that disrupt it are likely to be disease-causing. For these reasons, this variant has been classified as Pathogenic.

Cardiovascular Genetics Laboratory, PathWest Laboratory Medicine WA - Fiona Stanley Hospital
Classification: Pathogenic for Familial hypocalciuric hypercalcemia 1. Last evaluated: 2022-12-01. Review status: criteria provided, single submitter. Criteria: ACMG Guidelines, 2015. Collection method: clinical testing. Allele origin: germline. Affected: yes.
Comment: The CASR p.Arg648* nonsense variant is pathogenic for familial hypocalciuric hypercalcaemia (FHH). It has previously been reported in FHH patients (ClinVar) and is absent from the gnomAD population database (~250,000 alleles). CASR p.Arg648* is predicted to cause loss of normal protein function through protein truncation (with the loss of the C-terminal 40% of the protein). In vitro studies showed that while these truncated receptors are expressed on the cell surface, they do not have biological activity (PMID: 12469911, 15292296, 23966241).

Blueprint Genetics
Classification: Pathogenic for CASR-related disorders. Last evaluated: 2021-02-09. Review status: criteria provided, single submitter. Criteria: ACMG Guidelines, 2015. Collection method: clinical testing. Allele origin: germline. Affected: yes. Observed: 1 variant allele.

Molecular Genetics Laboratory, Biobizkaia Health Research Institute
Classification: Pathogenic for Familial hypocalciuric hypercalcemia 1. Last evaluated: 2024-03-08. Review status: no assertion criteria provided. Collection method: clinical testing. Allele origin: paternal. Affected: yes. Not counted in ClinVar's aggregate classification.

OMIM
Classification: Pathogenic for HYPOCALCIURIC HYPERCALCEMIA, FAMILIAL, TYPE I. Last evaluated: 2004-08-01. Review status: no assertion criteria provided. Collection method: literature only. Allele origin: germline. Not counted in ClinVar's aggregate classification.

OMIM
Classification: Pathogenic for HYPERPARATHYROIDISM, NEONATAL SEVERE. Last evaluated: 2004-08-01. Review status: no assertion criteria provided. Collection method: literature only. Allele origin: germline. Not counted in ClinVar's aggregate classification.

Literature cited by the submitters: PubMed 11231970 (cited by 4 submitters); PubMed 12469911 (cited by 4 submitters); PubMed 15292296 (cited by 3 submitters); PubMed 31672324 (cited by Ambry Genetics and Labcorp Genetics (formerly Invitae), Labcorp); PubMed 38586466 (cited by Ambry Genetics); PubMed 23966241 (cited by 3 submitters); PubMed 32347971 (cited by 3billion and Labcorp Genetics (formerly Invitae), Labcorp); PubMed 9395465 (cited by Labcorp Genetics (formerly Invitae), Labcorp); PubMed 18796518 (cited by Labcorp Genetics (formerly Invitae), Labcorp).